The following is an entry in ClinVar:

NM_000540.3(RYR1):c.8032C>G (p.Leu2678Val)

Gene: RYR1 (ryanodine receptor 1; plus strand). Cytogenetic location: 19q13.2.
Variant type: single nucleotide variant.
Coding change: c.8032C>G on transcript NM_000540.3 (MANE Select); coding-DNA position 8032, C replaced by G.
Protein change: p.Leu2678Val; replaces leucine 2678 with valine.
Molecular consequence: missense variant.
Genome position (GRCh38, 1-based): chr19:38,504,325, C>G. VCF-style: chr19-38504325-C-G. GRCh37 (hg19) VCF-style: chr19-38994965-C-G.
Other names: c.8032C>G, p.Leu2678Val (NM_001042723.2); short protein forms L2678V.
Identifiers: ClinVar variation 4802126 (VCV004802126.1).

ClinVar aggregate classification (germline): Uncertain significance (1 of 4 stars; one submission).

Conditions:
RYR1-related disorder. Also called: RYR1-related condition; RYR1-related disorders. Identifiers: MedGen CN239331.

Submission:

Labcorp Genetics (formerly Invitae), Labcorp
Classification: Uncertain significance for RYR1-related disorder. Last evaluated: 2025-05-23. Review status: criteria provided, single submitter. Criteria: Invitae Variant Classification Sherloc (09022015). Collection method: clinical testing. Allele origin: germline.
Comment: This sequence change replaces leucine, which is neutral and non-polar, with valine, which is neutral and non-polar, at codon 2678 of the RYR1 protein (p.Leu2678Val). This variant is not present in population databases (gnomAD no frequency). This variant has not been reported in the literature in individuals affected with RYR1-related conditions. Invitae Evidence Modeling of protein sequence and biophysical properties (such as structural, functional, and spatial information, amino acid conservation, physicochemical variation, residue mobility, and thermodynamic stability) indicates that this missense variant is expected to disrupt RYR1 protein function with a positive predictive value of 80%. In summary, the available evidence is currently insufficient to determine the role of this variant in disease. Therefore, it has been classified as a Variant of Uncertain Significance.